The following is an entry in ClinVar:

ClinVar aggregate classification (germline): Benign. Review status: reviewed by expert panel (3 of 4 stars). 15 submissions from 15 submitters: Benign (1). 14 of the submissions do not count toward it. Last evaluated 2024-12-06.

Conditions:
Mucopolysaccharidosis type 1. Also called: Mucopolysaccharidosis Type I; IDUA deficiency; MPS I. Identifiers: Orphanet 579, MedGen C0023786, MONDO:0001586.

Allele frequency attached by ClinVar (database versions not stated): gnomAD exomes 0.43132 and 0.50199; 1000 Genomes Project 0.39437; gnomAD 0.39819 and 0.40016; ExAC 0.48820; 1000 Genomes Project 30x 0.38976; TOPMed 0.40048.
gnomAD v4.1: 601,388 of 1,407,440 alleles (43%); highest among the groups gnomAD compares: Admixed American, 53%; 130,017 homozygotes.

Submissions (15):

ClinGen Lysosomal Storage Disorder Variant Curation Expert Panel
Classification: Benign for Mucopolysaccharidosis type 1. Last evaluated: 2024-12-06. Review status: reviewed by expert panel. Criteria: ClinGen LSD ACMG Specifications IDUA V1.0.0. Collection method: curation. Allele origin: germline. Inheritance: Autosomal recessive inheritance.
Comment: The NM_000203.5:c.60G>A variant in IDUA is a synonymous (silent) variant (p.Ala20=). The highest population minor allele frequency in gnomAD v4.1.0 is 0.5266 (17787/33780 alleles; 4836 homozygotes; Grpmax Filtering AF 95% confidence = 0.5201) in the Admixed American population, which is higher than the ClinGen Lysosomal Diseases VCEP’s threshold for BA1 (>0.005), and therefore meets this criterion (BA1). In summary, this variant meets the criteria to be classified as benign for mucopolysaccharidosis type 1. IDUA-specific ACMG/AMP criteria applied, as specified by the ClinGen Lysosomal Diseases Variant Curation Expert Panel (Specifications Version 1.0.0): BA1. (Classification approved by the ClinGen Lysosomal Diseases Variant Curation Expert Panel on December 6, 2024)

Labcorp Genetics (formerly Invitae), Labcorp
Classification: Benign for Mucopolysaccharidosis type 1. Last evaluated: 2026-02-04. Review status: criteria provided, single submitter. Criteria: Invitae Variant Classification Sherloc (09022015). Collection method: clinical testing. Allele origin: germline. Not counted in ClinVar's aggregate classification.

Blueprint Genetics
Classification: Benign. Last evaluated: 2024-11-26. Review status: criteria provided, single submitter. Criteria: ACMG Guidelines, 2015. Collection method: clinical testing. Allele origin: germline. Not counted in ClinVar's aggregate classification.

GeneDx
Classification: Benign. Last evaluated: 2018-06-13. Review status: criteria provided, single submitter. Criteria: GeneDx Variant Classification (06012015). Collection method: clinical testing. Allele origin: germline. Affected: yes. Not counted in ClinVar's aggregate classification.
Comment: This variant is considered likely benign or benign based on one or more of the following criteria: it is a conservative change, it occurs at a poorly conserved position in the protein, it is predicted to be benign by multiple in silico algorithms, and/or has population frequency not consistent with disease.

Eurofins Ntd Llc (ga)
Classification: Benign. Last evaluated: 2018-05-25. Review status: criteria provided, single submitter. Criteria: EGL ClinVar v180209 classification definitions. Collection method: clinical testing. Allele origin: germline. Observed: 101 variant alleles, 74 heterozygotes, 27 homozygotes. Not counted in ClinVar's aggregate classification.

Illumina Laboratory Services, Illumina
Classification: Benign for Mucopolysaccharidosis type 1. Last evaluated: 2018-01-13. Review status: criteria provided, single submitter. Criteria: ICSL Variant Classification Criteria 13 December 2019. Collection method: clinical testing. Allele origin: germline. Not counted in ClinVar's aggregate classification.
Comment: This variant was observed in the ICSL laboratory as part of a predisposition screen in an ostensibly healthy population. It had not been previously curated by ICSL or reported in the Human Gene Mutation Database (HGMD: prior to June 1st, 2018), and was therefore a candidate for classification through an automated scoring system. Utilizing variant allele frequency, disease prevalence and penetrance estimates, and inheritance mode, an automated score was calculated to assess if this variant is too frequent to cause the disease. Based on the score and internal cut-off values, a variant classified as benign is not then subjected to further curation. The score for this variant resulted in a classification of benign for this disease.

Breakthrough Genomics
Classification: Benign. Review status: criteria provided, single submitter. Criteria: ACMG Guidelines, 2015. Collection method: not provided. Allele origin: germline. Inheritance: Autosomal recessive inheritance. Affected: yes. Not counted in ClinVar's aggregate classification.

PreventionGenetics, part of Exact Sciences
Classification: Benign. Review status: criteria provided, single submitter. Criteria: ACMG Guidelines, 2015. Collection method: clinical testing. Allele origin: germline. Not counted in ClinVar's aggregate classification.

Natera, Inc.
Classification: Benign for Mucopolysaccharidosis type I. Last evaluated: 2017-05-11. Review status: no assertion criteria provided. Collection method: clinical testing. Allele origin: germline. Not counted in ClinVar's aggregate classification.

Mayo Clinic Laboratories, Mayo Clinic
Classification: Benign. Last evaluated: 2015-10-23. Review status: no assertion criteria provided. Collection method: clinical testing. Allele origin: unknown. Not counted in ClinVar's aggregate classification.

Clinical Genetics DNA and cytogenetics Diagnostics Lab, Erasmus MC, Erasmus Medical Center
Classification: Benign. Review status: no assertion criteria provided. Collection method: clinical testing. Allele origin: germline. Affected: yes. Study: VKGL Data-share Consensus. Not counted in ClinVar's aggregate classification.

Clinical Genetics, Academic Medical Center
Classification: Likely benign. Review status: no assertion criteria provided. Collection method: clinical testing. Allele origin: germline. Affected: yes. Study: VKGL Data-share Consensus. Not counted in ClinVar's aggregate classification.

Diagnostic Laboratory, Department of Genetics, University Medical Center Groningen
Classification: Benign. Review status: no assertion criteria provided. Collection method: clinical testing. Allele origin: germline. Affected: yes. Study: VKGL Data-share Consensus. Not counted in ClinVar's aggregate classification.

Genome Diagnostics Laboratory, University Medical Center Utrecht
Classification: Benign. Review status: no assertion criteria provided. Collection method: clinical testing. Allele origin: germline. Affected: yes. Study: VKGL Data-share Consensus. Not counted in ClinVar's aggregate classification.

Joint Genome Diagnostic Labs from Nijmegen and Maastricht, Radboudumc and MUMC+
Classification: Benign. Review status: no assertion criteria provided. Collection method: clinical testing. Allele origin: germline. Affected: yes. Study: VKGL Data-share Consensus. Not counted in ClinVar's aggregate classification.

NM_000203.5(IDUA):c.60G>A (p.Ala20=)

Genes: IDUA (alpha-L-iduronidase; plus strand), SLC26A1 (solute carrier family 26 member 1; minus strand). Cytogenetic location: 4p16.3.
Variant type: single nucleotide variant.
Coding change: c.60G>A on transcript NM_000203.5 (MANE Select); coding-DNA position 60, G replaced by A.
Protein change: p.Ala20=; no amino-acid change (alanine 20 retained).
Molecular consequence: synonymous variant. On other transcripts: non-coding transcript variant (1), intron variant (1).
Genome position (GRCh38, 1-based): chr4:987,144, G>A. VCF-style: chr4-987144-G-A. GRCh37 (hg19) VCF-style: chr4-980932-G-A.
Other names: NM_000203.5(IDUA):c.60G>A; p.Ala20_Pro21=; c.576+3984C>T (NM_134425.4).
Identifiers: ClinVar variation 92647 (VCV000092647.40), dbSNP rs10902762, ClinGen allele CA145888.
Genomic context (GRCh38, chr4:987,144, plus strand): 5'-CATGCGTCCCCTGCGCCCCCGCGCCGCGCTGCTGGCGCTCCTGGCCTCGCTCCTGGCCGC[G>A]CCCCCGGTGGCCCCGGCCGAGGCCCCGCACCTGGTGCATGTGGACGCGGCCCGCGCGCTG-3'
Protein context (NP_000194.2, residues 10-30): LLALLASLLA[Ala20=]PPVAPAEAPH